The following is an entry in ClinVar:

NM_033064.5(ATCAY):c.1106+5G>A

Gene: ATCAY (ATCAY kinesin light chain interacting caytaxin; plus strand). Cytogenetic location: 19p13.3.
Variant type: single nucleotide variant.
Coding change: c.1106+5G>A on transcript NM_033064.5 (MANE Select); 5 bases into the intron after coding-DNA position 1106, G replaced by A.
Molecular consequence: intron variant.
Genome position (GRCh38, 1-based): chr19:3,920,803, G>A. VCF-style: chr19-3920803-G-A. GRCh37 (hg19) VCF-style: chr19-3920801-G-A.
Identifiers: ClinVar variation 3389382 (VCV003389382.14).
Genomic context (GRCh38, chr19:3,920,803, plus strand): 5'-CAGTCTCCGTCTCTCCTCCACAGGTCTGCTCTGGTCTCAGAAGATCAGGAAACAAGGTGG[G>A]TGTGATGCAGAGTGGTCTTCGTGCTGTTTTCAAAATGTCCTTCATGGACCTGTATTAGTC-3'

ClinVar aggregate classification (germline): Uncertain significance (1 of 4 stars; one submission).

gnomAD v4.1: 7 of 1,613,606 alleles (0.00043%); highest among the groups gnomAD compares: African/African-American, 0.0013%; no homozygotes.

Submission:

CeGaT Center for Human Genetics Tuebingen
Classification: Uncertain significance. Last evaluated: 2024-11-01. Review status: criteria provided, single submitter. Criteria: CeGaT Center For Human Genetics Tuebingen Variant Classification Criteria Version 2. Collection method: clinical testing. Allele origin: germline. Affected: yes. Observed: 1 variant allele.
Comment: ATCAY: PM2, PP3